The following is an entry in ClinVar:

NM_003000.3(SDHB):c.161A>T (p.Asp54Val)

Gene: SDHB (succinate dehydrogenase complex iron sulfur subunit B; minus strand). Cytogenetic location: 1p36.13.
Variant type: single nucleotide variant.
Coding change: c.161A>T on transcript NM_003000.3 (MANE Select); coding-DNA position 161, A replaced by T.
Protein change: p.Asp54Val; replaces aspartic acid 54 with valine.
Molecular consequence: missense variant.
Genome position (GRCh38, 1-based): chr1:17,044,800, T>A on the plus strand (A>T on the coding strand, the complement: SDHB is on the minus strand). VCF-style: chr1-17044800-T-A. GRCh37 (hg19) VCF-style: chr1-17371295-T-A.
Other names: short protein forms D54V.
Identifiers: ClinVar variation 459137 (VCV000459137.7), dbSNP rs1553178735, ClinGen allele CA338227918.
Genomic context (GRCh38, chr1:17,044,800, plus strand): 5'-GGCTTTCACAGAGATACTCACTTATTAAGGTCAACTTCATAAGTCTGCATATGAGGTTTG[T>A]CTCCAGCCTTGTCTGGGTCCCATCGATAGATGGCAAATTTCTTGATACGGGGAGCTGTGG-3'
Protein context (NP_002991.2, residues 44-64): IYRWDPDKAG[Asp54Val]KPHMQTYEVD

ClinVar aggregate classification (germline): Uncertain significance. Review status: criteria provided, multiple submitters, no conflicts (2 of 4 stars). 2 submissions from 2 submitters: Uncertain significance (2). Last evaluated 2025-03-17.

Conditions:
Hereditary cancer-predisposing syndrome. Also called: Tumor predisposition; Hereditary neoplastic syndrome; Neoplastic Syndromes, Hereditary; Hereditary Cancer Syndrome. Identifiers: Orphanet 140162, MedGen C0027672, MeSH D009386, MONDO:0015356.
Pheochromocytoma. Also called: MAX-Related Hereditary Paraganglioma-Pheochromocytoma Syndrome. Identifiers: Orphanet 29072, MedGen C0031511, MONDO:0008233, OMIM 171300, HP:0002666.
Pheochromocytoma/paraganglioma syndrome 4. Also called: SDHB-Related Hereditary Paraganglioma-Pheochromocytoma Syndrome (Paragangliomas 4); CAROTID BODY TUMORS AND MULTIPLE EXTRAADRENAL PHEOCHROMOCYTOMAS; PARAGANGLIOMA, FAMILIAL MALIGNANT; PARAGANGLIOMAS, HEREDITARY EXTRAADRENAL; SDHB-Related Hereditary Paraganglioma-Pheochromocytoma Syndrome; PHEOCHROMOCYTOMA, FAMILIAL EXTRAADRENAL. Identifiers: Orphanet 29072, MedGen C1861848, MONDO:0007273, OMIM 115310.
Gastrointestinal stromal tumor. Also called: Gastrointestinal stroma tumor; Gastrointestinal stromal tumor, somatic. Identifiers: Orphanet 44890, MedGen C0238198, MeSH D046152, MONDO:0011719, OMIM 606764, HP:0100723.

Submissions (2):

Labcorp Genetics (formerly Invitae), Labcorp
Classification: Uncertain significance for Gastrointestinal stromal tumor; Pheochromocytoma/paraganglioma syndrome 4; Pheochromocytoma. Last evaluated: 2025-03-17. Review status: criteria provided, single submitter. Criteria: Invitae Variant Classification Sherloc (09022015). Collection method: clinical testing. Allele origin: germline.
Comment: This sequence change replaces aspartic acid, which is acidic and polar, with valine, which is neutral and non-polar, at codon 54 of the SDHB protein (p.Asp54Val). This variant is not present in population databases (gnomAD no frequency). This variant has not been reported in the literature in individuals affected with SDHB-related conditions. ClinVar contains an entry for this variant (Variation ID: 459137). Invitae Evidence Modeling of protein sequence and biophysical properties (such as structural, functional, and spatial information, amino acid conservation, physicochemical variation, residue mobility, and thermodynamic stability) indicates that this missense variant is not expected to disrupt SDHB protein function with a negative predictive value of 80%. In summary, the available evidence is currently insufficient to determine the role of this variant in disease. Therefore, it has been classified as a Variant of Uncertain Significance.

Ambry Genetics
Classification: Uncertain significance for Hereditary cancer-predisposing syndrome. Last evaluated: 2023-06-24. Review status: criteria provided, single submitter. Criteria: Ambry Variant Classification Scheme 2023. Collection method: clinical testing. Allele origin: germline.
Comment: The p.D54V variant (also known as c.161A>T), located in coding exon 2 of the SDHB gene, results from an A to T substitution at nucleotide position 161. The aspartic acid at codon 54 is replaced by valine, an amino acid with highly dissimilar properties. This amino acid position is conserved. In addition, this alteration is predicted to be deleterious by in silico analysis. Since supporting evidence is limited at this time, the clinical significance of this alteration remains unclear.